The following is an entry in ClinVar:

ClinVar aggregate classification (germline): Likely pathogenic (1 of 4 stars; one submission).

Allele frequency attached by ClinVar (database versions not stated): gnomAD exomes below 0.00001.
gnomAD v4.1: 2 of 1,614,074 alleles (0.00012%); highest among the groups gnomAD compares: Non-Finnish European, 0.00017%; no homozygotes.

Submission:

Labcorp Genetics (formerly Invitae), Labcorp
Classification: Likely pathogenic. Last evaluated: 2022-09-07. Review status: criteria provided, single submitter. Criteria: Invitae Variant Classification Sherloc (09022015). Collection method: clinical testing. Allele origin: germline.
Comment: In summary, the currently available evidence indicates that the variant is pathogenic, but additional data are needed to prove that conclusively. Therefore, this variant has been classified as Likely Pathogenic. Algorithms developed to predict the effect of sequence changes on RNA splicing suggest that this variant may disrupt the consensus splice site. This variant has not been reported in the literature in individuals affected with SLC26A5-related conditions. This variant is not present in population databases (gnomAD no frequency). This sequence change affects an acceptor splice site in intron 5 of the SLC26A5 gene. It is expected to disrupt RNA splicing. Variants that disrupt the donor or acceptor splice site typically lead to a loss of protein function (PMID: 16199547), and loss-of-function variants in SLC26A5 are known to be pathogenic (PMID: 12239568, 24164807).

Literature cited by the submitters: PubMed 16199547; PubMed 12239568; PubMed 24164807.

NM_198999.3(SLC26A5):c.404-1G>C

Gene: SLC26A5 (solute carrier family 26 member 5; minus strand). Cytogenetic location: 7q22.1.
Variant type: single nucleotide variant.
Coding change: c.404-1G>C on transcript NM_198999.3 (MANE Select); the canonical splice acceptor site of the intron before coding-DNA position 404, G replaced by C.
Molecular consequence: splice acceptor variant.
Genome position (GRCh38, 1-based): chr7:103,411,587, C>G on the plus strand (G>C on the coding strand, the complement: SLC26A5 is on the minus strand). VCF-style: chr7-103411587-C-G. GRCh37 (hg19) VCF-style: chr7-103052034-C-G.
Other names: c.404-1G>C (NM_206885.3, NM_001321787.2, NM_206884.3 and 2 more transcripts).
Identifiers: ClinVar variation 2027407 (VCV002027407.4), dbSNP rs2485399712, ClinGen allele CA368767241.
Genomic context (GRCh38, chr7:103,411,587, plus strand): 5'-CATCTGGTACTAATCGAACAGCTACACCACCAATCATCAGGCTAATAACAGCAAAAGGAC[C>G]TGAAATAATGAAGCATGAAGATCCCTGTTCAGGGTTCAGAGTATCTGATATGGTTTTTGC-3'